The following is an entry in ClinVar:

NM_002661.5(PLCG2):c.3601C>T (p.Arg1201Cys)

Gene: PLCG2 (phospholipase C gamma 2; plus strand). Cytogenetic location: 16q23.3.
Variant type: single nucleotide variant.
Coding change: c.3601C>T on transcript NM_002661.5 (MANE Select); coding-DNA position 3601, C replaced by T.
Protein change: p.Arg1201Cys; replaces arginine 1201 with cysteine.
Molecular consequence: missense variant.
Genome position (GRCh38, 1-based): chr16:81,956,725, C>T. VCF-style: chr16-81956725-C-T. GRCh37 (hg19) VCF-style: chr16-81990330-C-T.
Other names: c.3601C>T, p.Arg1201Cys (NM_001425749.1, NM_001425750.1, NM_001425751.1); short protein forms R1201C.
Identifiers: ClinVar variation 2723167 (VCV002723167.3), dbSNP rs761018891, ClinGen allele CA8194785.
Genomic context (GRCh38, chr16:81,956,725, plus strand): 5'-CATGGTTGTTCTCTCCCCTGCATCCTCCAGGAGAGCGAAGAGGAACTTTACTCCTCCTGT[C>T]GCCAGCTGAGGAGGCGGCAAGAAGAACTGAACAACCAGCTCTTTCTGTATGACACACACC-3'
Protein context (NP_002652.2, residues 1191-1211): ESEEELYSSC[Arg1201Cys]QLRRRQEELN

ClinVar aggregate classification (germline): Uncertain significance (1 of 4 stars; one submission).

Conditions:
Familial cold autoinflammatory syndrome 3 (FCAS3). Also called: ANTIBODY DEFICIENCY AND IMMUNE DYSREGULATION, PLCG2-ASSOCIATED; FAMILIAL ATYPICAL COLD URTICARIA. Identifiers: Orphanet 300359, MedGen C3280914, MONDO:0013766, OMIM 614468.

Allele frequency attached by ClinVar (database versions not stated): gnomAD 0.00001; ExAC 0.00002.
gnomAD v4.1: 15 of 1,613,948 alleles (0.00093%); highest among the groups gnomAD compares: East Asian, 0.0022%; no homozygotes.

Submission:

Labcorp Genetics (formerly Invitae), Labcorp
Classification: Uncertain significance for Familial cold autoinflammatory syndrome 3. Last evaluated: 2025-11-03. Review status: criteria provided, single submitter. Criteria: Invitae Variant Classification Sherloc (09022015). Collection method: clinical testing. Allele origin: germline.
Comment: This sequence change replaces arginine, which is basic and polar, with cysteine, which is neutral and slightly polar, at codon 1201 of the PLCG2 protein (p.Arg1201Cys). This variant is present in population databases (rs761018891, gnomAD 0.003%). This variant has not been reported in the literature in individuals affected with PLCG2-related conditions. ClinVar contains an entry for this variant (Variation ID: 2723167). An algorithm developed to predict the effect of missense changes on protein structure and function (PolyPhen-2) suggests that this variant is likely to be disruptive. In summary, the available evidence is currently insufficient to determine the role of this variant in disease. Therefore, it has been classified as a Variant of Uncertain Significance.